The following is an entry in ClinVar:

ClinVar aggregate classification (germline): Benign (0 of 4 stars; one submission).

Conditions:
DMXL1-related disorder. Also called: DMXL1-related condition.

Allele frequency attached by ClinVar (database versions not stated): gnomAD exomes 0.00061; ExAC 0.00224; gnomAD 0.00586; TOPMed 0.00640; ESP Exome Variant Server 0.00723; 1000 Genomes Project 0.00739; 1000 Genomes Project 30x 0.00796.
gnomAD v4.1: 1,819 of 1,613,958 alleles (0.11%); highest among the groups gnomAD compares: African/African-American, 2%; 15 homozygotes.

Submission:

PreventionGenetics, part of Exact Sciences
Classification: Benign for DMXL1-related condition. Last evaluated: 2019-03-25. Review status: no assertion criteria provided. Collection method: clinical testing. Allele origin: germline.
Comment: This variant is classified as benign based on ACMG/AMP sequence variant interpretation guidelines (Richards et al. 2015 PMID: 25741868, with internal and published modifications).

NM_001290321.3(DMXL1):c.5661A>G (p.Lys1887=)

Gene: DMXL1 (Dmx like 1; plus strand). Cytogenetic location: 5q23.1.
Variant type: single nucleotide variant.
Coding change: c.5661A>G on transcript NM_001290321.3 (MANE Select); coding-DNA position 5661, A replaced by G.
Protein change: p.Lys1887=; no amino-acid change (lysine 1887 retained).
Molecular consequence: synonymous variant. On other transcripts: non-coding transcript variant (3).
Genome position (GRCh38, 1-based): chr5:119,170,452, A>G. VCF-style: chr5-119170452-A-G. GRCh37 (hg19) VCF-style: chr5-118506147-A-G.
Other names: c.5661A>G, p.Lys1887= (NM_001349239.2, NM_001349240.2, NM_001387933.1 and 2 more transcripts); c.4956A>G, p.Lys1652= (NM_001387937.1); c.4674A>G, p.Lys1558= (NM_001387938.1).
Identifiers: ClinVar variation 3039380 (VCV003039380.2), dbSNP rs74737344, ClinGen allele CA3380417.